The following is an entry in ClinVar:

NM_006947.4(SRP72):c.404T>A (p.Leu135His)

Gene: SRP72 (signal recognition particle 72; plus strand). Cytogenetic location: 4q12.
Variant type: single nucleotide variant.
Coding change: c.404T>A on transcript NM_006947.4 (MANE Select); coding-DNA position 404, T replaced by A.
Protein change: p.Leu135His; replaces leucine 135 with histidine.
Molecular consequence: missense variant. On other transcripts: non-coding transcript variant (1).
Genome position (GRCh38, 1-based): chr4:56,474,103, T>A. VCF-style: chr4-56474103-T-A. GRCh37 (hg19) VCF-style: chr4-57340269-T-A.
Other names: c.404T>A, p.Leu135His (NM_001267722.2); short protein forms L135H.
Identifiers: ClinVar variation 3962146 (VCV003962146.1).

ClinVar aggregate classification (germline): Uncertain significance (1 of 4 stars; one submission).

Submission:

Ambry Genetics
Classification: Uncertain significance. Last evaluated: 2025-06-12. Review status: criteria provided, single submitter. Criteria: Ambry Variant Classification Scheme 2023. Collection method: clinical testing. Allele origin: germline.
Comment: The p.L135H variant (also known as c.404T>A), located in coding exon 4 of the SRP72 gene, results from a T to A substitution at nucleotide position 404. The leucine at codon 135 is replaced by histidine, an amino acid with similar properties. This amino acid position is conserved. In addition, this alteration is predicted to be deleterious by in silico analysis. Based on the available evidence, the clinical significance of this variant remains unclear.